The following is an entry in ClinVar:

NM_007294.4(BRCA1):c.4596T>C (p.Val1532=)

Gene: BRCA1 (BRCA1 DNA repair associated; minus strand). Cytogenetic location: 17q21.31.
Variant type: single nucleotide variant.
Coding change: c.4596T>C on transcript NM_007294.4 (MANE Select); coding-DNA position 4596, T replaced by C.
Protein change: p.Val1532=; no amino-acid change (valine 1532 retained).
Molecular consequence: synonymous variant. On other transcripts: intron variant (3).
Genome position (GRCh38, 1-based): chr17:43,074,410, A>G on the plus strand (T>C on the coding strand, the complement: BRCA1 is on the minus strand). VCF-style: chr17-43074410-A-G. GRCh37 (hg19) VCF-style: chr17-41226427-A-G.
Other names: c.4326T>C, p.Val1442= (NM_001407934.1, NM_001407935.1, NM_001407936.1); c.4473T>C, p.Val1491= (NM_001407937.1, NM_001407938.1, NM_001407664.1 and 6 more transcripts); c.4470T>C, p.Val1490= (NM_001407939.1, NM_001407940.1, NM_001407670.1 and 11 more transcripts); c.4467T>C, p.Val1489= (NM_001407941.1, NM_001407681.1, NM_001407682.1 and 6 more transcripts); c.4455T>C, p.Val1485= (NM_001407942.1, NM_007297.4, NM_001407692.1 and 13 more transcripts); c.4452T>C, p.Val1484= (NM_001407943.1, NM_001407944.1, NM_001407945.1 and 21 more transcripts); c.4263T>C, p.Val1421= (NM_001407946.1, NM_001407947.1, NM_001407948.1 and 1 more transcripts); c.4260T>C, p.Val1420= (NM_001407950.1, NM_001407951.1, NM_001407952.1 and 3 more transcripts); and 71 more.
Identifiers: ClinVar variation 628947 (VCV000628947.17), dbSNP rs1567777953, ClinGen allele CA500146604.

ClinVar aggregate classification (germline): Likely benign. Review status: criteria provided, multiple submitters, no conflicts (2 of 4 stars). 4 submissions from 4 submitters: Likely benign (4). Last evaluated 2025-11-11.

Conditions:
Hereditary cancer-predisposing syndrome. Also called: Hereditary neoplastic syndrome; Tumor predisposition; Hereditary Cancer Syndrome; Neoplastic Syndromes, Hereditary. Identifiers: Orphanet 140162, MedGen C0027672, MeSH D009386, MONDO:0015356.
Hereditary breast ovarian cancer syndrome. Also called: Hereditary breast and ovarian cancer syndrome (HBOC); Hereditary breast and ovarian cancer; BRCA1- and BRCA2-Associated Hereditary Breast and Ovarian Cancer; Breast and ovarian cancer; Hereditary breast and ovarian cancer syndrome; Hereditary breast and/or ovarian cancer syndrome. Identifiers: Orphanet 145, MedGen C0677776, MeSH D061325, MONDO:0003582. Disease mechanism: loss of function.
Breast-ovarian cancer, familial, susceptibility to, 1 (BROVCA1). Also called: OVARIAN CANCER, SUSCEPTIBILITY TO; BRCA1 Hereditary Breast and Ovarian Cancer. Identifiers: Orphanet 145, MedGen C2676676, MONDO:0011450, OMIM 604370. Disease mechanism: loss of function.

Allele frequency attached by ClinVar (database versions not stated): gnomAD exomes below 0.00001.
gnomAD v4.1: 3 of 1,614,178 alleles (0.00019%); highest among the groups gnomAD compares: Non-Finnish European, 0.00025%; no homozygotes.

Submissions (4):

Labcorp Genetics (formerly Invitae), Labcorp
Classification: Likely benign for Hereditary breast ovarian cancer syndrome. Last evaluated: 2025-11-11. Review status: criteria provided, single submitter. Criteria: Invitae Variant Classification Sherloc (09022015). Collection method: clinical testing. Allele origin: germline.

All of Us Research Program, National Institutes of Health
Classification: Likely benign for Breast-ovarian cancer, familial, susceptibility to, 1. Last evaluated: 2023-03-04. Review status: criteria provided, single submitter. Criteria: ACMG Guidelines, 2015. Collection method: clinical testing. Allele origin: germline. Inheritance: Autosomal dominant inheritance. Observed: 1 variant allele, 1 heterozygote.
Comment: This study involves interpretation of variants in research participants for the purpose of population health screening. Participant phenotype was not available at the time of variant classification. Additional details can be found in publication PMID: 35346344, PMCID: PMC8962531

Color Diagnostics, LLC DBA Color Health
Classification: Likely benign for Hereditary cancer-predisposing syndrome. Last evaluated: 2018-07-31. Review status: criteria provided, single submitter. Criteria: ACMG Guidelines, 2015. Collection method: clinical testing. Allele origin: germline.

Ambry Genetics
Classification: Likely benign for Hereditary cancer-predisposing syndrome. Last evaluated: 2015-11-13. Review status: criteria provided, single submitter. Criteria: Ambry Variant Classification Scheme 2023. Collection method: clinical testing. Allele origin: germline.